The following is an entry in ClinVar:

NM_001458.5(FLNC):c.1583del (p.Ala528fs)

Gene: FLNC (filamin C; plus strand). Cytogenetic location: 7q32.1.
Variant type: Deletion.
Coding change: c.1583del on transcript NM_001458.5 (MANE Select); coding-DNA position 1583, one base deleted (C; older notation c.1583delC).
Protein change: p.Ala528fs; shifts the reading frame from alanine 528.
Molecular consequence: frameshift variant.
Genome position (GRCh38, 1-based): chr7:128,840,581, C deleted. VCF-style (leftmost placement, unchanged base first): chr7-128840580-GC-G. GRCh37 (hg19) VCF-style: chr7-128480634-GC-G.
Other names: c.1583del, p.Ala528fs (NM_001127487.2); short protein forms A528fs.
Identifiers: ClinVar variation 4812488 (VCV004812488.1).

ClinVar aggregate classification (germline): Pathogenic (1 of 4 stars; one submission).

Conditions:
Hypertrophic cardiomyopathy 26. Also called: Cardiomyopathy, familial hypertrophic, 26. Identifiers: Orphanet 75249, MedGen C4310749, MONDO:0014883, OMIM 617047.
Myofibrillar myopathy 5. Also called: Filaminopathy (type); FILAMINOPATHY, AUTOSOMAL DOMINANT. Identifiers: Orphanet 171445, MedGen C1836050, MONDO:0012289, OMIM 609524.
Distal myopathy with posterior leg and anterior hand involvement. Also called: WILLIAMS DISTAL MYOPATHY. Identifiers: Orphanet 63273, MedGen C3279722, MONDO:0013550, OMIM 614065.

Submission:

Labcorp Genetics (formerly Invitae), Labcorp
Classification: Pathogenic for Distal myopathy with posterior leg and anterior hand involvement; Myofibrillar myopathy 5; Hypertrophic cardiomyopathy 26. Last evaluated: 2025-05-14. Review status: criteria provided, single submitter. Criteria: Invitae Variant Classification Sherloc (09022015). Collection method: clinical testing. Allele origin: germline.
Comment: This sequence change creates a premature translational stop signal (p.Ala528Valfs*20) in the FLNC gene. It is expected to result in an absent or disrupted protein product. Loss-of-function variants in FLNC are known to be pathogenic (PMID: 27908349). This variant is not present in population databases (gnomAD no frequency). This variant has not been reported in the literature in individuals affected with FLNC-related conditions. For these reasons, this variant has been classified as Pathogenic.

Literature cited by the submitters: PubMed 27908349.